The following is an entry in ClinVar:

ClinVar aggregate classification (germline): Uncertain significance. Review status: criteria provided, multiple submitters, no conflicts (2 of 4 stars). 2 submissions from 2 submitters: Uncertain significance (2). Last evaluated 2025-07-28.

Conditions:
Hereditary cancer-predisposing syndrome. Also called: Neoplastic Syndromes, Hereditary; Tumor predisposition; Hereditary neoplastic syndrome; Hereditary Cancer Syndrome. Identifiers: Orphanet 140162, MedGen C0027672, MeSH D009386, MONDO:0015356.
Fanconi anemia complementation group J. Also called: BRIP1-Related Fanconi Anemia. Identifiers: Orphanet 84, MedGen C1836860, MONDO:0012187, OMIM 609054.
Familial cancer of breast. Also called: BREAST CANCER, FAMILIAL; Hereditary breast cancer; hereditary breast carcinoma. Identifiers: Orphanet 227535, MedGen C0346153, MONDO:0016419, OMIM 114480. Disease mechanism: loss of function.

Allele frequency attached by ClinVar (database versions not stated): gnomAD exomes below 0.00001; ExAC 0.00001.
gnomAD v4.1: 1 of 1,607,442 alleles (0.000062%); highest among the groups gnomAD compares: Non-Finnish European, 0.000085%; no homozygotes.

Submissions (2):

Ambry Genetics
Classification: Uncertain significance for Hereditary cancer-predisposing syndrome. Last evaluated: 2025-07-28. Review status: criteria provided, single submitter. Criteria: Ambry Variant Classification Scheme 2023. Collection method: clinical testing. Allele origin: germline.
Comment: The p.K806E variant (also known as c.2416A>G), located in coding exon 16 of the BRIP1 gene, results from an A to G substitution at nucleotide position 2416. The lysine at codon 806 is replaced by glutamic acid, an amino acid with similar properties. This amino acid position is conserved. In addition, the in silico prediction for this alteration is inconclusive. Based on the available evidence, the clinical significance of this variant remains unclear.

Labcorp Genetics (formerly Invitae), Labcorp
Classification: Uncertain significance for Familial cancer of breast; Fanconi anemia complementation group J. Last evaluated: 2022-09-22. Review status: criteria provided, single submitter. Criteria: Invitae Variant Classification Sherloc (09022015). Collection method: clinical testing. Allele origin: germline.
Comment: This sequence change replaces lysine, which is basic and polar, with glutamic acid, which is acidic and polar, at codon 806 of the BRIP1 protein (p.Lys806Glu). The frequency data for this variant in the population databases is considered unreliable, as metrics indicate poor data quality at this position in the gnomAD database. This variant has not been reported in the literature in individuals affected with BRIP1-related conditions. ClinVar contains an entry for this variant (Variation ID: 1490203). Advanced modeling of protein sequence and biophysical properties (such as structural, functional, and spatial information, amino acid conservation, physicochemical variation, residue mobility, and thermodynamic stability) performed at Invitae indicates that this missense variant is not expected to disrupt BRIP1 protein function. Algorithms developed to predict the effect of sequence changes on RNA splicing suggest that this variant may create or strengthen a splice site. In summary, the available evidence is currently insufficient to determine the role of this variant in disease. Therefore, it has been classified as a Variant of Uncertain Significance.

NM_032043.3(BRIP1):c.2416A>G (p.Lys806Glu)

Gene: BRIP1 (BRCA1 interacting DNA helicase 1; minus strand). Cytogenetic location: 17q23.2.
Variant type: single nucleotide variant.
Coding change: c.2416A>G on transcript NM_032043.3 (MANE Select); coding-DNA position 2416, A replaced by G.
Protein change: p.Lys806Glu; replaces lysine 806 with glutamic acid.
Molecular consequence: missense variant.
Genome position (GRCh38, 1-based): chr17:61,716,027, T>C on the plus strand (A>G on the coding strand, the complement: BRIP1 is on the minus strand). VCF-style: chr17-61716027-T-C. GRCh37 (hg19) VCF-style: chr17-59793388-T-C.
Other names: c.2416A>G (NM_032043.2); short protein forms K806E.
Identifiers: ClinVar variation 1490203 (VCV001490203.8), dbSNP rs747622456, ClinGen allele CA8690530.